The following is an entry in ClinVar:

ClinVar aggregate classification (germline): Uncertain significance (1 of 4 stars; one submission).

Conditions:
Weaver syndrome (WVS). Also called: Weaver Smith syndrome; Overgrowth syndrome with accelerated skeletal maturation, unusual facies, and camptodactyly. Identifiers: Orphanet 3447, MedGen C0265210, MONDO:0010193, OMIM 277590.

Submission:

Labcorp Genetics (formerly Invitae), Labcorp
Classification: Uncertain significance for Weaver syndrome. Last evaluated: 2024-06-03. Review status: criteria provided, single submitter. Criteria: Invitae Variant Classification Sherloc (09022015). Collection method: clinical testing. Allele origin: germline.
Comment: This sequence change falls in intron 19 of the EZH2 gene. It does not directly change the encoded amino acid sequence of the EZH2 protein. It affects a nucleotide within the consensus splice site. This variant is not present in population databases (gnomAD no frequency). This variant has not been reported in the literature in individuals affected with EZH2-related conditions. ClinVar contains an entry for this variant (Variation ID: 1039258). Variants that disrupt the consensus splice site are a relatively common cause of aberrant splicing (PMID: 17576681, 9536098). Algorithms developed to predict the effect of sequence changes on RNA splicing suggest that this variant is not likely to affect RNA splicing. In summary, the available evidence is currently insufficient to determine the role of this variant in disease. Therefore, it has been classified as a Variant of Uncertain Significance.

Literature cited by the submitters: PubMed 17576681; PubMed 9536098.

NM_004456.5(EZH2):c.2195+4G>C

Gene: EZH2 (enhancer of zeste 2 polycomb repressive complex 2 subunit; minus strand). Cytogenetic location: 7q36.1.
Variant type: single nucleotide variant.
Coding change: c.2195+4G>C on transcript NM_004456.5 (MANE Select); 4 bases into the intron after coding-DNA position 2195, G replaced by C.
Molecular consequence: intron variant.
Genome position (GRCh38, 1-based): chr7:148,809,067, C>G on the plus strand (G>C on the coding strand, the complement: EZH2 is on the minus strand). VCF-style: chr7-148809067-C-G. GRCh37 (hg19) VCF-style: chr7-148506159-C-G.
Other names: c.2153+4G>C (NM_001203248.2); c.2063+4G>C (NM_152998.3); c.2180+4G>C (NM_001203247.2); c.2027+4G>C (NM_001203249.2).
Identifiers: ClinVar variation 1039258 (VCV001039258.10), dbSNP rs1392250326, ClinGen allele CA1751421116.
Genomic context (GRCh38, chr7:148,809,067, plus strand): 5'-TCCAGAGTTCACAATCCAGTAGAAAAAGCCCTTAGAGATCATGCTAGAAATGTACTTTAC[C>G]AACCTGTAATCAAAAAACAGCTCTTCGCCAGTCTGGATGGCTCTCTTGGCAAAAATACCT-3'